The following is an entry in ClinVar:

NM_000127.3(EXT1):c.1165-1G>C

Gene: EXT1 (exostosin glycosyltransferase 1; minus strand). Cytogenetic location: 8q24.11.
Variant type: single nucleotide variant.
Coding change: c.1165-1G>C on transcript NM_000127.3 (MANE Select); the canonical splice acceptor site of the intron before coding-DNA position 1165, G replaced by C.
Molecular consequence: splice acceptor variant.
Genome position (GRCh38, 1-based): chr8:117,830,350, C>G on the plus strand (G>C on the coding strand, the complement: EXT1 is on the minus strand). VCF-style: chr8-117830350-C-G. GRCh37 (hg19) VCF-style: chr8-118842589-C-G.
Identifiers: ClinVar variation 2036662 (VCV002036662.4), dbSNP rs1812078423, ClinGen allele CA371890735.

ClinVar aggregate classification (germline): Pathogenic (1 of 4 stars; one submission).

Conditions:
Multiple congenital exostosis (EXT). Also called: MULTIPLE CARTILAGINOUS EXOSTOSES; Hereditary multiple osteochondromas; Multiple osteochondromas; Multiple exostoses; Hereditary multiple exostoses; Hereditary multiple exostosis. Identifiers: Orphanet 321, MedGen C0015306, MONDO:0005508, HP:0002762.

Submission:

Labcorp Genetics (formerly Invitae), Labcorp
Classification: Pathogenic for Multiple congenital exostosis. Last evaluated: 2022-10-23. Review status: criteria provided, single submitter. Criteria: Invitae Variant Classification Sherloc (09022015). Collection method: clinical testing. Allele origin: germline.
Comment: Disruption of this splice site has been observed in individual(s) with multiple osteochondromas (Invitae). This sequence change affects an acceptor splice site in intron 3 of the EXT1 gene. It is expected to disrupt RNA splicing. Variants that disrupt the donor or acceptor splice site typically lead to a loss of protein function (PMID: 16199547), and loss-of-function variants in EXT1 are known to be pathogenic (PMID: 10679937, 11391482, 19810120). This variant is not present in population databases (gnomAD no frequency). Algorithms developed to predict the effect of sequence changes on RNA splicing suggest that this variant may disrupt the consensus splice site. For these reasons, this variant has been classified as Pathogenic.

Literature cited by the submitters: PubMed 16199547; PubMed 10679937; PubMed 11391482; PubMed 19810120.